The following is an entry in ClinVar:

ClinVar aggregate classification (germline): Likely benign (1 of 4 stars; one submission).

Allele frequency attached by ClinVar (database versions not stated): gnomAD exomes below 0.00001; ExAC 0.00001; gnomAD 0.00001.
gnomAD v4.1: 7 of 1,307,626 alleles (0.00054%); highest among the groups gnomAD compares: Non-Finnish European, 0.00044%; no homozygotes.

Submission:

CeGaT Center for Human Genetics Tuebingen
Classification: Likely benign. Last evaluated: 2023-02-01. Review status: criteria provided, single submitter. Criteria: CeGaT Center For Human Genetics Tuebingen Variant Classification Criteria Version 2. Collection method: clinical testing. Allele origin: germline. Affected: yes. Observed: 1 variant allele.
Comment: SOS1: BP4

NM_005633.4(SOS1):c.2791+4A>G

Gene: SOS1 (SOS Ras/Rac guanine nucleotide exchange factor 1; minus strand). Cytogenetic location: 2p22.1.
Variant type: single nucleotide variant.
Coding change: c.2791+4A>G on transcript NM_005633.4 (MANE Select); 4 bases into the intron after coding-DNA position 2791, A replaced by G.
Molecular consequence: intron variant.
Genome position (GRCh38, 1-based): chr2:39,006,408, T>C on the plus strand (A>G on the coding strand, the complement: SOS1 is on the minus strand). VCF-style: chr2-39006408-T-C. GRCh37 (hg19) VCF-style: chr2-39233549-T-C.
Other names: c.2770+4A>G (NM_001382394.1); c.2791+4A>G (NM_001382395.1).
Identifiers: ClinVar variation 2650845 (VCV002650845.24), dbSNP rs753285669, ClinGen allele CA1624333.